The following is an entry in ClinVar:

ClinVar aggregate classification (germline): Uncertain significance. Review status: criteria provided, multiple submitters, no conflicts (2 of 4 stars). 3 submissions from 3 submitters: Uncertain significance (3). Last evaluated 2025-03-31.

Allele frequency attached by ClinVar (database versions not stated): TOPMed 0.00001.

Submissions (3):

Ambry Genetics
Classification: Uncertain significance. Last evaluated: 2025-03-31. Review status: criteria provided, single submitter. Criteria: Ambry Variant Classification Scheme 2023. Collection method: clinical testing. Allele origin: germline.
Comment: The p.L95V variant (also known as c.283C>G), located in coding exon 3 of the RECQL gene, results from a C to G substitution at nucleotide position 283. The leucine at codon 95 is replaced by valine, an amino acid with highly similar properties. This amino acid position is highly conserved in available vertebrate species. In addition, the in silico prediction for this alteration is inconclusive. Since supporting evidence is limited at this time, the clinical significance of this alteration remains unclear.

Labcorp Genetics (formerly Invitae), Labcorp
Classification: Uncertain significance. Last evaluated: 2024-06-17. Review status: criteria provided, single submitter. Criteria: Invitae Variant Classification Sherloc (09022015). Collection method: clinical testing. Allele origin: germline.
Comment: This sequence change replaces leucine, which is neutral and non-polar, with valine, which is neutral and non-polar, at codon 95 of the RECQL protein (p.Leu95Val). This variant is not present in population databases (gnomAD no frequency). This variant has not been reported in the literature in individuals affected with RECQL-related conditions. ClinVar contains an entry for this variant (Variation ID: 1434433). Advanced modeling of protein sequence and biophysical properties (such as structural, functional, and spatial information, amino acid conservation, physicochemical variation, residue mobility, and thermodynamic stability) performed at Invitae indicates that this missense variant is not expected to disrupt RECQL protein function with a negative predictive value of 80%. In summary, the available evidence is currently insufficient to determine the role of this variant in disease. Therefore, it has been classified as a Variant of Uncertain Significance.

Quest Diagnostics Nichols Institute San Juan Capistrano
Classification: Uncertain significance. Last evaluated: 2024-01-16. Review status: criteria provided, single submitter. Criteria: Quest Diagnostics criteria. Collection method: clinical testing. Allele origin: unknown.
Comment: The RECQL c.283C>G (p.Leu95Val) variant has not been reported in individuals with RECQL-related conditions in the published literature. It also has not been reported in large, multi-ethnic general populations (Genome Aggregation Database). Analysis of this variant using bioinformatics tools for the prediction of the effect of amino acid changes on protein structure and function yielded predictions that this variant is benign. Based on the available information, we are unable to determine the clinical significance of this variant.

NM_002907.4(RECQL):c.283C>G (p.Leu95Val)

Gene: RECQL (RecQ like helicase; minus strand). Cytogenetic location: 12p12.1.
Variant type: single nucleotide variant.
Coding change: c.283C>G on transcript NM_002907.4 (MANE Select); coding-DNA position 283, C replaced by G.
Protein change: p.Leu95Val; replaces leucine 95 with valine.
Molecular consequence: missense variant.
Genome position (GRCh38, 1-based): chr12:21,490,310, G>C on the plus strand (C>G on the coding strand, the complement: RECQL is on the minus strand). VCF-style: chr12-21490310-G-C. GRCh37 (hg19) VCF-style: chr12-21643244-G-C.
Other names: c.283C>G, p.Leu95Val (NM_032941.3); short protein forms L95V.
Identifiers: ClinVar variation 1434433 (VCV001434433.13), dbSNP rs1040223606, ClinGen allele CA233583198.